The following is an entry in ClinVar:

ClinVar aggregate classification (germline): Pathogenic. Review status: criteria provided, multiple submitters, no conflicts (2 of 4 stars). 2 submissions from 2 submitters: Pathogenic (2). Last evaluated 2026-02-13.

Conditions:
Aspartylglucosaminuria (AGU). Also called: AGA DEFICIENCY; GLYCOASPARAGINASE; GLYCOSYLASPARAGINASE DEFICIENCY; Aspartylglucos-aminuria; Aspartylglucos-amidase (AGA) deficiency. Identifiers: Orphanet 93, MedGen C0268225, MONDO:0008830, OMIM 208400, HP:0012068.

Allele frequency attached by ClinVar (database versions not stated): gnomAD exomes below 0.00001.
gnomAD v4.1: 1 of 1,614,034 alleles (0.000062%); highest among the groups gnomAD compares: Non-Finnish European, 0.000085%; no homozygotes.

Submissions (2):

Myriad Genetics, Inc.
Classification: Pathogenic for Aspartylglucosaminuria. Last evaluated: 2026-02-13. Review status: criteria provided, single submitter. Criteria: Myriad Autosomal Dominant, Autosomal Recessive and X-Linked Classification Criteria (2023). Collection method: clinical testing. Allele origin: unknown.
Comment: NM_000027.3(AGA):c.859C>T(Q287*) is a nonsense variant classified as pathogenic in the context of aspartylglucosaminuria. Q287* has not been observed in cases with relevant disease. Relevant functional assessments of this variant are not available in the literature. Q287* has not been observed in referenced population frequency databases. In summary, NM_000027.3(AGA):c.859C>T(Q287*) is a nonsense variant in a gene where loss of function is a known mechanism of disease and is predicted to disrupt protein function. Please note: this variant was assessed in the context of healthy population screening.

Labcorp Genetics (formerly Invitae), Labcorp
Classification: Pathogenic for Aspartylglucosaminuria. Last evaluated: 2023-12-09. Review status: criteria provided, single submitter. Criteria: Invitae Variant Classification Sherloc (09022015). Collection method: clinical testing. Allele origin: germline.
Comment: This sequence change creates a premature translational stop signal (p.Gln287*) in the AGA gene. It is expected to result in an absent or disrupted protein product. Loss-of-function variants in AGA are known to be pathogenic (PMID: 7627186, 11309371). This variant is not present in population databases (gnomAD no frequency). This variant has not been reported in the literature in individuals affected with AGA-related conditions. ClinVar contains an entry for this variant (Variation ID: 852651). For these reasons, this variant has been classified as Pathogenic.

Literature cited by the submitters: PubMed 7627186 (cited by Labcorp Genetics (formerly Invitae), Labcorp); PubMed 11309371 (cited by Labcorp Genetics (formerly Invitae), Labcorp).

NM_000027.4(AGA):c.859C>T (p.Gln287Ter)

Gene: AGA (aspartylglucosaminidase; minus strand). Cytogenetic location: 4q34.3.
Variant type: single nucleotide variant.
Coding change: c.859C>T on transcript NM_000027.4 (MANE Select); coding-DNA position 859, C replaced by T.
Protein change: p.Gln287Ter; replaces glutamine 287 with a stop codon.
Molecular consequence: nonsense. On other transcripts: non-coding transcript variant (1).
Genome position (GRCh38, 1-based): chr4:177,433,295, G>A on the plus strand (C>T on the coding strand, the complement: AGA is on the minus strand). VCF-style: chr4-177433295-G-A. GRCh37 (hg19) VCF-style: chr4-178354449-G-A.
Other names: c.829C>T, p.Gln277Ter (NM_001171988.2); short protein forms Q277*, Q287*.
Identifiers: ClinVar variation 852651 (VCV000852651.8), dbSNP rs1736687730, ClinGen allele CA358781350.